The following is an entry in ClinVar:

ClinVar aggregate classification (germline): Uncertain significance (1 of 4 stars; one submission).

Allele frequency attached by ClinVar (database versions not stated): gnomAD exomes below 0.00001.
gnomAD v4.1: 1 of 1,597,558 alleles (0.000063%); highest among the groups gnomAD compares: Middle Eastern, 0.017%; no homozygotes.

Submission:

Labcorp Genetics (formerly Invitae), Labcorp
Classification: Uncertain significance. Last evaluated: 2022-05-27. Review status: criteria provided, single submitter. Criteria: Invitae Variant Classification Sherloc (09022015). Collection method: clinical testing. Allele origin: germline.
Comment: This variant has not been reported in the literature in individuals affected with TREM2-related conditions. This variant is not present in population databases (gnomAD no frequency). This variant occurs in a non-coding region of the TREM2 gene. It does not change the encoded amino acid sequence of the TREM2 protein. Experimental studies and prediction algorithms are not available or were not evaluated, and the functional significance of this variant is currently unknown. In summary, the available evidence is currently insufficient to determine the role of this variant in disease. Therefore, it has been classified as a Variant of Uncertain Significance.

NM_018965.4(TREM2):c.*123C>T

Gene: TREM2 (triggering receptor expressed on myeloid cells 2; minus strand). Cytogenetic location: 6p21.1.
Variant type: single nucleotide variant.
Coding change: c.*123C>T on transcript NM_018965.4 (MANE Select); 123 bases downstream of the stop codon, C replaced by T.
Molecular consequence: 3 prime UTR variant. On other transcripts: missense variant (1).
Genome position (GRCh38, 1-based): chr6:41,158,641, G>A on the plus strand (C>T on the coding strand, the complement: TREM2 is on the minus strand). VCF-style: chr6-41158641-G-A. GRCh37 (hg19) VCF-style: chr6-41126379-G-A.
Other names: c.622C>T, p.His208Tyr (NM_001271821.2); short protein forms H208Y.
Identifiers: ClinVar variation 1945329 (VCV001945329.4), dbSNP rs2532382648, ClinGen allele CA364056991.